The following is an entry in ClinVar:

ClinVar aggregate classification (germline): Uncertain significance (1 of 4 stars; one submission).

Conditions:
RASopathy. Also called: Noonan spectrum disorder; rasopathies. Identifiers: Orphanet 536391, MedGen C5555857, MONDO:0021060.

Submission:

Labcorp Genetics (formerly Invitae), Labcorp
Classification: Uncertain significance for RASopathy. Last evaluated: 2024-09-24. Review status: criteria provided, single submitter. Criteria: Invitae Variant Classification Sherloc (09022015). Collection method: clinical testing. Allele origin: germline.
Comment: This sequence change replaces aspartic acid, which is acidic and polar, with valine, which is neutral and non-polar, at codon 555 of the BRAF protein (p.Asp555Val). This variant is not present in population databases (gnomAD no frequency). This variant has not been reported in the literature in individuals affected with BRAF-related conditions. Invitae Evidence Modeling of protein sequence and biophysical properties (such as structural, functional, and spatial information, amino acid conservation, physicochemical variation, residue mobility, and thermodynamic stability) has been performed for this missense variant. However, the output from this modeling did not meet the statistical confidence thresholds required to predict the impact of this variant on BRAF protein function. In summary, the available evidence is currently insufficient to determine the role of this variant in disease. Therefore, it has been classified as a Variant of Uncertain Significance.

NM_004333.6(BRAF):c.1664A>T (p.Asp555Val)

Gene: BRAF (B-Raf proto-oncogene, serine/threonine kinase; minus strand). Cytogenetic location: 7q34.
Variant type: single nucleotide variant.
Coding change: c.1664A>T on transcript NM_004333.6 (MANE Select); coding-DNA position 1664, A replaced by T.
Protein change: p.Asp555Val; replaces aspartic acid 555 with valine.
Molecular consequence: missense variant.
Genome position (GRCh38, 1-based): chr7:140,776,942, T>A on the plus strand (A>T on the coding strand, the complement: BRAF is on the minus strand). VCF-style: chr7-140776942-T-A. GRCh37 (hg19) VCF-style: chr7-140476742-T-A.
Other names: c.1664A>T, p.Asp555Val (NM_001354609.2, NM_001378468.1, NM_001378474.1); c.1784A>T, p.Asp595Val (NM_001374244.1, NM_001374258.1); c.1673A>T, p.Asp558Val (NM_001378467.1); c.1598A>T, p.Asp533Val (NM_001378469.1); c.1562A>T, p.Asp521Val (NM_001378470.1); c.1553A>T, p.Asp518Val (NM_001378471.1); c.1508A>T, p.Asp503Val (NM_001378472.1, NM_001378473.1); c.1400A>T, p.Asp467Val (NM_001378475.1); short protein forms D467V, D503V, D533V, D555V, D558V, D595V, D518V, D521V.
Identifiers: ClinVar variation 3667175 (VCV003667175.2).